The following is an entry in ClinVar:

ClinVar aggregate classification (germline): Pathogenic (1 of 4 stars; one submission).

Conditions:
Autosomal recessive limb-girdle muscular dystrophy. Identifiers: Orphanet 102015, MedGen C2931907, MONDO:0015152.

Submission:

Myriad Genetics, Inc.
Classification: Pathogenic for Autosomal recessive limb-girdle muscular dystrophy. Last evaluated: 2025-11-27. Review status: criteria provided, single submitter. Criteria: Myriad Autosomal Dominant, Autosomal Recessive and X-Linked Classification Criteria (2023). Collection method: clinical testing. Allele origin: unknown.
Comment: NM_003494.3(DYSF):c.1854delG(N619Tfs*8) is expected to be pathogenic in the context of dysferlinopathy. This variant is predicted to lead to an abnormal or absent protein product due to the creation of a premature termination codon in DYSF, a gene where loss-of-function variants are known to be pathogenic. Please note: this variant was assessed in the context of healthy population screening.

NM_001130987.2(DYSF):c.1908del (p.Asn637fs)

Gene: DYSF (dysferlin; plus strand). Cytogenetic location: 2p13.2.
Variant type: Deletion.
Coding change: c.1908del on transcript NM_001130987.2 (MANE Select); coding-DNA position 1908, one base deleted (G; older notation c.1908delG).
Protein change: p.Asn637fs; shifts the reading frame from asparagine 637.
Molecular consequence: frameshift variant.
Genome position (GRCh38, 1-based): chr2:71,553,112, G deleted; the last of 3 consecutive G bases (chr2:71,553,110-71,553,112); deleting any one gives the same sequence. VCF-style (leftmost placement, unchanged base first): chr2-71553109-CG-C. GRCh37 (hg19) VCF-style: chr2-71780239-CG-C.
Other names: c.1857del, p.Asn620fs (NM_001130455.2, NM_001130983.2); c.1812del, p.Asn605fs (NM_001130976.2, NM_001130977.2); c.1854del, p.Asn619fs (NM_001130978.2, NM_003494.4); c.1947del, p.Asn650fs (NM_001130979.2); c.1905del, p.Asn636fs (NM_001130980.2, NM_001130981.2); c.1950del, p.Asn651fs (NM_001130982.2); c.1815del, p.Asn606fs (NM_001130984.2, NM_001130986.2); c.1908del, p.Asn637fs (NM_001130985.2); short protein forms N605fs, N606fs, N619fs, N620fs, N636fs, N637fs, N650fs, N651fs.
Identifiers: ClinVar variation 5015272 (VCV005015272.1).